The following is an entry in ClinVar:

ClinVar aggregate classification (germline): Uncertain significance (1 of 4 stars; one submission).

Submission:

GeneDx
Classification: Uncertain significance. Last evaluated: 2022-01-20. Review status: criteria provided, single submitter. Criteria: GeneDx Variant Classification Process June 2021. Collection method: clinical testing. Allele origin: germline. Affected: yes.
Comment: Not observed at significant frequency in large population cohorts (gnomAD); In silico analysis supports that this missense variant has a deleterious effect on protein structure/function; Has not been previously published as pathogenic or benign to our knowledge

NM_015001.3(SPEN):c.1167A>C (p.Gln389His)

Gene: SPEN (spen family transcriptional repressor; plus strand). Cytogenetic location: 1p36.13.
Variant type: single nucleotide variant.
Coding change: c.1167A>C on transcript NM_015001.3 (MANE Select); coding-DNA position 1167, A replaced by C.
Protein change: p.Gln389His; replaces glutamine 389 with histidine.
Molecular consequence: missense variant.
Genome position (GRCh38, 1-based): chr1:15,911,225, A>C. VCF-style: chr1-15911225-A-C. GRCh37 (hg19) VCF-style: chr1-16237720-A-C.
Other names: short protein forms Q389H.
Identifiers: ClinVar variation 1698196 (VCV001698196.2), dbSNP rs2148729271, ClinGen allele CA338612033.
Genomic context (GRCh38, chr1:15,911,225, plus strand): 5'-GATACATGGAACTTCAGAAGAGAGGTATGGTCTGGTATTCTTTCGGCAGCAAGAGGACCA[A>C]GAAAAAGCCTTGACTGCATCAAAAGGAAAACTTTTCTTTGGCATGCAGATTGAAGTAACA-3'
Protein context (NP_055816.2, residues 379-399): GLVFFRQQED[Gln389His]EKALTASKGK